The following is an entry in ClinVar:

ClinVar aggregate classification (germline): Uncertain significance. Review status: criteria provided, multiple submitters, no conflicts (2 of 4 stars). 3 submissions from 3 submitters: Uncertain significance (3). Last evaluated 2024-06-19.

Conditions:
Senior-Loken syndrome 5 (SLSN5). Identifiers: Orphanet 3156, MedGen C1836517, MONDO:0012225, OMIM 609254.
Nephronophthisis. Also called: Juvenile Nephronophthisis. Identifiers: Orphanet 655, MedGen C0687120, MONDO:0019005, HP:0000090.
Inborn genetic diseases. Identifiers: MedGen C0950123, MeSH D030342.

Allele frequency attached by ClinVar (database versions not stated): gnomAD exomes below 0.00001 and 0.00001; ExAC 0.00002; gnomAD 0.00003 and 0.00004; TOPMed 0.00004; ESP Exome Variant Server 0.00008.
gnomAD v4.1: 11 of 1,609,340 alleles (0.00068%); highest among the groups gnomAD compares: African/African-American, 0.008%; no homozygotes.

Submissions (3):

Fulgent Genetics
Classification: Uncertain significance for Senior-Loken syndrome 5. Last evaluated: 2024-06-19. Review status: criteria provided, single submitter. Criteria: ACMG Guidelines, 2015. Collection method: clinical testing. Allele origin: germline.

Labcorp Genetics (formerly Invitae), Labcorp
Classification: Uncertain significance for Nephronophthisis. Last evaluated: 2022-05-15. Review status: criteria provided, single submitter. Criteria: Invitae Variant Classification Sherloc (09022015). Collection method: clinical testing. Allele origin: germline.
Comment: This sequence change replaces leucine, which is neutral and non-polar, with serine, which is neutral and polar, at codon 153 of the IQCB1 protein (p.Leu153Ser). In summary, the available evidence is currently insufficient to determine the role of this variant in disease. Therefore, it has been classified as a Variant of Uncertain Significance. Algorithms developed to predict the effect of sequence changes on RNA splicing suggest that this variant may create or strengthen a splice site. Algorithms developed to predict the effect of missense changes on protein structure and function (SIFT, PolyPhen-2, Align-GVGD) all suggest that this variant is likely to be disruptive. This variant has not been reported in the literature in individuals affected with IQCB1-related conditions. This variant is present in population databases (rs368772723, gnomAD 0.02%).

Ambry Genetics
Classification: Uncertain significance for Inborn genetic diseases. Last evaluated: 2021-09-17. Review status: criteria provided, single submitter. Criteria: Ambry Variant Classification Scheme 2023. Collection method: clinical testing. Allele origin: germline.

NM_001023570.4(IQCB1):c.458T>C (p.Leu153Ser)

Gene: IQCB1 (IQ motif containing B1; minus strand). Cytogenetic location: 3q13.33.
Variant type: single nucleotide variant.
Coding change: c.458T>C on transcript NM_001023570.4 (MANE Select); coding-DNA position 458, T replaced by C.
Protein change: p.Leu153Ser; replaces leucine 153 with serine.
Molecular consequence: missense variant. On other transcripts: non-coding transcript variant (1).
Genome position (GRCh38, 1-based): chr3:121,808,945, A>G on the plus strand (T>C on the coding strand, the complement: IQCB1 is on the minus strand). VCF-style: chr3-121808945-A-G. GRCh37 (hg19) VCF-style: chr3-121527792-A-G.
Other names: c.458T>C, p.Leu153Ser (NM_001023571.4, NM_001319107.2); c.458T>C (NM_001023570.2); short protein forms L153S.
Identifiers: ClinVar variation 1402668 (VCV001402668.8), dbSNP rs368772723, ClinGen allele CA2567420.